The following is an entry in ClinVar:

NM_001204.7(BMPR2):c.1175del (p.Val392fs)

Gene: BMPR2 (bone morphogenetic protein receptor type 2; plus strand). Cytogenetic location: 2q33.2.
Variant type: Deletion.
Coding change: c.1175del on transcript NM_001204.7 (MANE Select); coding-DNA position 1175, one base deleted (T; older notation c.1175delT).
Protein change: p.Val392fs; shifts the reading frame from valine 392.
Molecular consequence: frameshift variant.
Genome position (GRCh38, 1-based): chr2:202,532,631, T deleted. VCF-style (leftmost placement, unchanged base first): chr2-202532630-GT-G. GRCh37 (hg19) VCF-style: chr2-203397353-GT-G.
Other names: short protein forms V392fs.
Identifiers: ClinVar variation 1456366 (VCV001456366.6), dbSNP rs2106019982, ClinGen allele CA2573134355.

ClinVar aggregate classification (germline): Pathogenic (1 of 4 stars; one submission).

Conditions:
Primary pulmonary hypertension. Also called: Idiopathic pulmonary hypertension. Identifiers: MedGen C0152171.

Submission:

Labcorp Genetics (formerly Invitae), Labcorp
Classification: Pathogenic for Primary pulmonary hypertension. Last evaluated: 2021-06-16. Review status: criteria provided, single submitter. Criteria: Invitae Variant Classification Sherloc (09022015). Collection method: clinical testing. Allele origin: germline.
Comment: For these reasons, this variant has been classified as Pathogenic. This variant has not been reported in the literature in individuals with BMPR2-related conditions. This variant is not present in population databases (ExAC no frequency). This sequence change creates a premature translational stop signal (p.Val392Glyfs*3) in the BMPR2 gene. It is expected to result in an absent or disrupted protein product. Loss-of-function variants in BMPR2 are known to be pathogenic (PMID: 16429395).

Literature cited by the submitters: PubMed 16429395.